The following is an entry in ClinVar:

ClinVar aggregate classification (germline): Uncertain significance (1 of 4 stars; one submission).

Allele frequency attached by ClinVar (database versions not stated): gnomAD 0.00001; ExAC 0.00002; TOPMed 0.00003; ESP Exome Variant Server 0.00015.

Submissions (2):

Labcorp Genetics (formerly Invitae), Labcorp
Classification: Uncertain significance. Last evaluated: 2025-08-12. Review status: criteria provided, single submitter. Criteria: Invitae Variant Classification Sherloc (09022015). Collection method: clinical testing. Allele origin: germline.
Comment: This sequence change falls in intron 16 of the MYH9 gene. It does not directly change the encoded amino acid sequence of the MYH9 protein. It affects a nucleotide within the consensus splice site. This variant is present in population databases (rs367700075, gnomAD 0.02%). This variant has not been reported in the literature in individuals affected with MYH9-related conditions. ClinVar contains an entry for this variant (Variation ID: 2984663). Variants that disrupt the consensus splice site are a relatively common cause of aberrant splicing (PMID: 17576681, 9536098). Algorithms developed to predict the effect of sequence changes on RNA splicing suggest that this variant is not likely to affect RNA splicing. In summary, the available evidence is currently insufficient to determine the role of this variant in disease. Therefore, it has been classified as a Variant of Uncertain Significance.

Dr. Peter K. Rogan Lab, Western University
No classification provided (evidence only). Condition: Acute myeloid leukemia. Review status: no classification provided. Collection method: in vitro. Allele origin: not applicable. Functional consequence: retained intron. Not counted in ClinVar's aggregate classification.

Literature cited by the submitters: PubMed 17576681 (cited by Labcorp Genetics (formerly Invitae), Labcorp); PubMed 9536098 (cited by Labcorp Genetics (formerly Invitae), Labcorp).

NM_002473.6(MYH9):c.2038-3C>T

Gene: MYH9 (myosin heavy chain 9; minus strand). Cytogenetic location: 22q12.3.
Variant type: single nucleotide variant.
Coding change: c.2038-3C>T on transcript NM_002473.6 (MANE Select); 3 bases into the intron before coding-DNA position 2038, C replaced by T.
Molecular consequence: intron variant.
Genome position (GRCh38, 1-based): chr22:36,306,054, G>A on the plus strand (C>T on the coding strand, the complement: MYH9 is on the minus strand). VCF-style: chr22-36306054-G-A. GRCh37 (hg19) VCF-style: chr22-36702100-G-A.
Identifiers: ClinVar variation 2984663 (VCV002984663.4), dbSNP rs367700075, ClinGen allele CA10210102.